The following is an entry in ClinVar:

NM_198252.3(GSN):c.689C>T (p.Pro230Leu)

Gene: GSN (gelsolin; plus strand). Cytogenetic location: 9q33.2.
Variant type: single nucleotide variant.
Coding change: c.689C>T on transcript NM_198252.3 (MANE Select); coding-DNA position 689, C replaced by T.
Protein change: p.Pro230Leu; replaces proline 230 with leucine.
Molecular consequence: missense variant.
Genome position (GRCh38, 1-based): chr9:121,313,959, C>T. VCF-style: chr9-121313959-C-T. GRCh37 (hg19) VCF-style: chr9-124076237-C-T.
Other names: c.842C>T, p.Pro281Leu (NM_000177.5); c.689C>T, p.Pro230Leu (NM_001127662.2, NM_001127664.2, NM_001127665.2 and 10 more transcripts); c.797C>T, p.Pro266Leu (NM_001127663.2); c.722C>T, p.Pro241Leu (NM_001127666.2, NM_001127667.2, NM_001353073.2 and 13 more transcripts); c.740C>T, p.Pro247Leu (NM_001258029.2); c.713C>T, p.Pro238Leu (NM_001258030.2); c.761C>T, p.Pro254Leu (NM_001353076.2); c.35C>T, p.Pro12Leu (NM_001353078.2); short protein forms P254L, P230L, P241L, P281L, P247L, P266L, P12L, P238L.
Identifiers: ClinVar variation 1763348 (VCV001763348.7), dbSNP rs139723535, ClinGen allele CA199409359.

ClinVar aggregate classification (germline): Uncertain significance. Review status: criteria provided, multiple submitters, no conflicts (2 of 4 stars). 3 submissions from 3 submitters: Uncertain significance (3). Last evaluated 2026-07-14.

Conditions:
GSN-related disorder. Also called: GSN-related condition.
Inborn genetic diseases. Identifiers: MedGen C0950123, MeSH D030342.

Allele frequency attached by ClinVar (database versions not stated): gnomAD exomes 0.00001; gnomAD 0.00002; TOPMed 0.00003; ESP Exome Variant Server 0.00008.
gnomAD v4.1: 13 of 1,614,082 alleles (0.00081%); highest among the groups gnomAD compares: African/African-American, 0.0027%; no homozygotes.

Submissions (3):

PreventionGenetics, part of Exact Sciences
Classification: Uncertain significance for GSN-related condition. Last evaluated: 2026-07-14. Review status: criteria provided, single submitter. Criteria: ACMG Guidelines, 2015. Collection method: clinical testing. Allele origin: germline.
Comment: The GSN c.842C>T variant is predicted to result in the amino acid substitution p.Pro281Leu. To our knowledge, this variant has not been reported in the literature or in a large population database (gnomAD), indicating this variant is rare. At this time, the clinical significance of this variant is uncertain due to the absence of conclusive functional and genetic evidence.

Ambry Genetics
Classification: Uncertain significance for Inborn genetic diseases. Last evaluated: 2024-12-11. Review status: criteria provided, single submitter. Criteria: Ambry Variant Classification Scheme 2023. Collection method: clinical testing. Allele origin: germline.

Labcorp Genetics (formerly Invitae), Labcorp
Classification: Uncertain significance. Last evaluated: 2024-04-29. Review status: criteria provided, single submitter. Criteria: Invitae Variant Classification Sherloc (09022015). Collection method: clinical testing. Allele origin: germline.
Comment: This sequence change replaces proline, which is neutral and non-polar, with leucine, which is neutral and non-polar, at codon 281 of the GSN protein (p.Pro281Leu). This variant is not present in population databases (gnomAD no frequency). This variant has not been reported in the literature in individuals affected with GSN-related conditions. ClinVar contains an entry for this variant (Variation ID: 1763348). Advanced modeling of protein sequence and biophysical properties (such as structural, functional, and spatial information, amino acid conservation, physicochemical variation, residue mobility, and thermodynamic stability) performed at Invitae indicates that this missense variant is not expected to disrupt GSN protein function with a negative predictive value of 80%. In summary, the available evidence is currently insufficient to determine the role of this variant in disease. Therefore, it has been classified as a Variant of Uncertain Significance.